The following is an entry in ClinVar:

ClinVar aggregate classification (germline): Uncertain significance (1 of 4 stars; one submission).

Conditions:
Hereditary cancer-predisposing syndrome. Also called: Neoplastic Syndromes, Hereditary; Tumor predisposition; Hereditary neoplastic syndrome; Hereditary Cancer Syndrome. Identifiers: Orphanet 140162, MedGen C0027672, MeSH D009386, MONDO:0015356.

Submission:

Ambry Genetics
Classification: Uncertain significance for Hereditary cancer-predisposing syndrome. Last evaluated: 2024-05-29. Review status: criteria provided, single submitter. Criteria: Ambry Variant Classification Scheme 2023. Collection method: clinical testing. Allele origin: germline.
Comment: The p.A321P variant (also known as c.961G>C), located in coding exon 5 of the SMARCA4 gene, results from a G to C substitution at nucleotide position 961. The alanine at codon 321 is replaced by proline, an amino acid with highly similar properties. This amino acid position is conserved. In addition, the in silico prediction for this alteration is inconclusive. Based on the available evidence, the clinical significance of this variant remains unclear.

NM_003072.5(SMARCA4):c.961G>C (p.Ala321Pro)

Gene: SMARCA4 (SWI/SNF related BAF chromatin remodeling complex subunit ATPase 4; plus strand). Cytogenetic location: 19p13.2.
Variant type: single nucleotide variant.
Coding change: c.961G>C on transcript NM_003072.5 (MANE Select); coding-DNA position 961, G replaced by C.
Protein change: p.Ala321Pro; replaces alanine 321 with proline.
Molecular consequence: missense variant. On other transcripts: non-coding transcript variant (1).
Genome position (GRCh38, 1-based): chr19:10,987,767, G>C. VCF-style: chr19-10987767-G-C. GRCh37 (hg19) VCF-style: chr19-11098443-G-C.
Other names: c.961G>C, p.Ala321Pro (NM_001128844.3, NM_001128845.2, NM_001128846.2 and 6 more transcripts); short protein forms A321P.
Identifiers: ClinVar variation 3320755 (VCV003320755.1).